The following is an entry in ClinVar:

NM_016011.5(MECR):c.448A>G (p.Ile150Val)

Gene: MECR (mitochondrial trans-2-enoyl-CoA reductase; minus strand). Cytogenetic location: 1p35.3.
Variant type: single nucleotide variant.
Coding change: c.448A>G on transcript NM_016011.5 (MANE Select); coding-DNA position 448, A replaced by G.
Protein change: p.Ile150Val; replaces isoleucine 150 with valine.
Molecular consequence: missense variant. On other transcripts: non-coding transcript variant (4).
Genome position (GRCh38, 1-based): chr1:29,206,864, T>C on the plus strand (A>G on the coding strand, the complement: MECR is on the minus strand). VCF-style: chr1-29206864-T-C. GRCh37 (hg19) VCF-style: chr1-29533376-T-C.
Other names: c.220A>G, p.Ile74Val (NM_001024732.4, NM_001349711.2, NM_001349712.2 and 2 more transcripts); c.553A>G, p.Ile185Val (NM_001349715.2); c.532A>G, p.Ile178Val (NM_001349716.2); c.298A>G, p.Ile100Val (NM_001349717.2); short protein forms I74V, I100V, I185V, I150V, I178V.
Identifiers: ClinVar variation 1904042 (VCV001904042.4), dbSNP rs766872561, ClinGen allele CA725792.

ClinVar aggregate classification (germline): Uncertain significance (1 of 4 stars; one submission).

Allele frequency attached by ClinVar (database versions not stated): ExAC 0.00001; gnomAD exomes 0.00001.
gnomAD v4.1: 6 of 1,614,158 alleles (0.00037%); highest among the groups gnomAD compares: Non-Finnish European, 0.00051%; no homozygotes.

Submission:

Labcorp Genetics (formerly Invitae), Labcorp
Classification: Uncertain significance. Last evaluated: 2024-11-11. Review status: criteria provided, single submitter. Criteria: Invitae Variant Classification Sherloc (09022015). Collection method: clinical testing. Allele origin: germline.
Comment: This sequence change replaces isoleucine, which is neutral and non-polar, with valine, which is neutral and non-polar, at codon 150 of the MECR protein (p.Ile150Val). This variant is present in population databases (rs766872561, gnomAD 0.003%). This variant has not been reported in the literature in individuals affected with MECR-related conditions. ClinVar contains an entry for this variant (Variation ID: 1904042). Invitae Evidence Modeling of protein sequence and biophysical properties (such as structural, functional, and spatial information, amino acid conservation, physicochemical variation, residue mobility, and thermodynamic stability) indicates that this missense variant is not expected to disrupt MECR protein function with a negative predictive value of 80%. In summary, the available evidence is currently insufficient to determine the role of this variant in disease. Therefore, it has been classified as a Variant of Uncertain Significance.